The following is an entry in ClinVar:

ClinVar aggregate classification (germline): Conflicting classifications of pathogenicity. Review status: criteria provided, conflicting classifications (1 of 4 stars). 3 submissions from 3 submitters: Uncertain significance (1); Likely benign (2). Last evaluated 2026-01-25.

Conditions:
Osteogenesis imperfecta type I (OI1). Also called: OI, TYPE I; OSTEOGENESIS IMPERFECTA TARDA; OSTEOGENESIS IMPERFECTA WITH BLUE SCLERAE; Osteogenesis imperfecta type 1; Lobstein disease; Classic Non-deforming Osteogenesis Imperfecta with Blue Sclerae. Identifiers: Orphanet 216796, Orphanet 666, MedGen C0023931, MONDO:0008146, OMIM 166200. Disease mechanism: loss of function.

Allele frequency attached by ClinVar (database versions not stated): gnomAD 0.00001; gnomAD exomes 0.00001.
gnomAD v4.1: 8 of 1,613,824 alleles (0.0005%); highest among the groups gnomAD compares: Middle Eastern, 0.016%; no homozygotes.

Submissions (3):

GeneDx
Classification: Uncertain significance. Last evaluated: 2026-01-25. Review status: criteria provided, single submitter. Criteria: GeneDx Variant Classification Process June 2021. Collection method: clinical testing. Allele origin: germline.
Comment: Not observed at significant frequency in large population cohorts (gnomAD); In silico analysis suggests that this variant does not alter splicing; Has not been previously published as pathogenic or benign to our knowledge

Blueprint Genetics
Classification: Likely benign. Last evaluated: 2024-11-13. Review status: criteria provided, single submitter. Criteria: ACMG Guidelines, 2015. Collection method: clinical testing. Allele origin: germline.

Labcorp Genetics (formerly Invitae), Labcorp
Classification: Likely benign for Osteogenesis imperfecta type I. Last evaluated: 2021-08-11. Review status: criteria provided, single submitter. Criteria: Invitae Variant Classification Sherloc (09022015). Collection method: clinical testing. Allele origin: germline.

NM_000088.4(COL1A1):c.1201-12T>C

Gene: COL1A1 (collagen type I alpha 1 chain; minus strand). Cytogenetic location: 17q21.33.
Variant type: single nucleotide variant.
Coding change: c.1201-12T>C on transcript NM_000088.4 (MANE Select); 12 bases into the intron before coding-DNA position 1201, T replaced by C.
Molecular consequence: intron variant.
Genome position (GRCh38, 1-based): chr17:50,195,342, A>G on the plus strand (T>C on the coding strand, the complement: COL1A1 is on the minus strand). VCF-style: chr17-50195342-A-G. GRCh37 (hg19) VCF-style: chr17-48272703-A-G.
Identifiers: ClinVar variation 1593326 (VCV001593326.10), dbSNP rs1475476779, ClinGen allele CA626689604.